The following is an entry in ClinVar:

NM_003011.4(SET):c.799dup (p.Glu267fs)

Gene: SET (SET nuclear proto-oncogene; plus strand). Cytogenetic location: 9q34.11.
Variant type: Duplication.
Coding change: c.799dup on transcript NM_003011.4 (MANE Select); coding-DNA position 799, one base duplicated (G; older notation c.799dupG).
Protein change: p.Glu267fs; shifts the reading frame from glutamic acid 267.
Molecular consequence: frameshift variant.
Genome position (GRCh38, 1-based): chr9:128,694,031, G duplicated; the last of 4 consecutive G bases (chr9:128,694,028-128,694,031); duplicating any one gives the same sequence. VCF-style (leftmost placement, unchanged base first): chr9-128694027-A-AG. GRCh37 (hg19) VCF-style: chr9-131456306-A-AG.
Other names: c.838dup, p.Glu280fs (NM_001122821.2, NM_001374326.1); c.772dup, p.Glu258fs (NM_001248000.2); c.766dup, p.Glu256fs (NM_001248001.2); short protein forms E256fs, E258fs, E267fs, E280fs.
Identifiers: ClinVar variation 2661918 (VCV002661918.1), dbSNP rs2490441254, ClinGen allele CA2695199413.

ClinVar aggregate classification (germline): Uncertain significance (1 of 4 stars; one submission).

Submission:

GeneDx
Classification: Uncertain significance. Last evaluated: 2023-04-20. Review status: criteria provided, single submitter. Criteria: GeneDx Variant Classification Process June 2021. Collection method: clinical testing. Allele origin: germline. Affected: yes.
Comment: Has not been previously published as pathogenic or benign to our knowledge; Frameshift variant predicted to result in protein truncation as the last 11 amino acids are replaced with 6 different amino acids, although loss-of-function variants have not been reported downstream of this position in the protein; Not observed at significant frequency in large population cohorts (gnomAD).